The following is an entry in ClinVar:

NM_006073.4(TRDN):c.1864A>G (p.Ser622Gly)

Gene: TRDN (triadin; minus strand). Cytogenetic location: 6q22.31.
Variant type: single nucleotide variant.
Coding change: c.1864A>G on transcript NM_006073.4 (MANE Select); coding-DNA position 1864, A replaced by G.
Protein change: p.Ser622Gly; replaces serine 622 with glycine.
Molecular consequence: missense variant.
Genome position (GRCh38, 1-based): chr6:123,259,630, T>C on the plus strand (A>G on the coding strand, the complement: TRDN is on the minus strand). VCF-style: chr6-123259630-T-C. GRCh37 (hg19) VCF-style: chr6-123580775-T-C.
Other names: short protein forms S622G.
Identifiers: ClinVar variation 850408 (VCV000850408.2), dbSNP rs577376276, ClinGen allele CA3983717.
Genomic context (GRCh38, chr6:123,259,630, plus strand): 5'-TTCCTCTGTTTTTGTGGCTAATTTGATGTATATGTCTTAAAATGTCATTTTTACCTTTAC[T>C]TTCTTTTTCAGATATTTCAGTTTTCTTCTTTCCTAGGGGAAAGAAAAACAACAAGAAACC-3'
Protein context (NP_006064.2, residues 612-632): KKKTEISEKE[Ser622Gly]KEKADMKHLR

ClinVar aggregate classification (germline): Uncertain significance (1 of 4 stars; one submission).

Conditions:
Catecholaminergic polymorphic ventricular tachycardia (CVPT). Also called: Catecholamine-induced polymorphic ventricular tachycardia. Identifiers: Orphanet 3286, MedGen C5574922, MONDO:0017990.

Allele frequency attached by ClinVar (database versions not stated): gnomAD 0.00001; gnomAD exomes 0.00002 and 0.00005; 1000 Genomes Project 0.00020; ExAC 0.00029; 1000 Genomes Project 30x 0.00031.
gnomAD v4.1: 30 of 1,478,690 alleles (0.002%); highest among the groups gnomAD compares: South Asian, 0.038%; no homozygotes.

Submission:

Labcorp Genetics (formerly Invitae), Labcorp
Classification: Uncertain significance for Catecholaminergic polymorphic ventricular tachycardia. Last evaluated: 2019-03-26. Review status: criteria provided, single submitter. Criteria: Invitae Variant Classification Sherloc (09022015). Collection method: clinical testing. Allele origin: germline.
Comment: This sequence change replaces serine with glycine at codon 622 of the TRDN protein (p.Ser622Gly). The serine residue is weakly conserved and there is a small physicochemical difference between serine and glycine. This variant is present in population databases (rs577376276, ExAC 0.08%). This variant has not been reported in the literature in individuals with TRDN-related conditions. Algorithms developed to predict the effect of missense changes on protein structure and function (SIFT, PolyPhen-2, Align-GVGD) all suggest that this variant is likely to be tolerated, but these predictions have not been confirmed by published functional studies and their clinical significance is uncertain. Algorithms developed to predict the effect of sequence changes on RNA splicing suggest that this variant may create or strengthen a splice site, but this prediction has not been confirmed by published transcriptional studies. In summary, the available evidence is currently insufficient to determine the role of this variant in disease. Therefore, it has been classified as a Variant of Uncertain Significance.